The following is an entry in ClinVar:

ClinVar aggregate classification (germline): Uncertain significance (1 of 4 stars; one submission).

Conditions:
Focal segmental glomerulosclerosis 5 (FSGS5). Identifiers: Orphanet 656, MedGen C2750475, MONDO:0013191, OMIM 613237.
Charcot-Marie-Tooth disease dominant intermediate E. Also called: CHARCOT-MARIE-TOOTH NEUROPATHY WITH FOCAL SEGMENTAL GLOMERULONEPHRITIS. Identifiers: Orphanet 93114, MedGen C4302667, MONDO:0013758, OMIM 614455.

Submission:

Labcorp Genetics (formerly Invitae), Labcorp
Classification: Uncertain significance for Charcot-Marie-Tooth disease dominant intermediate E; Focal segmental glomerulosclerosis 5. Last evaluated: 2022-02-20. Review status: criteria provided, single submitter. Criteria: Invitae Variant Classification Sherloc (09022015). Collection method: clinical testing. Allele origin: germline.
Comment: In summary, the available evidence is currently insufficient to determine the role of this variant in disease. Therefore, it has been classified as a Variant of Uncertain Significance. Algorithms developed to predict the effect of missense changes on protein structure and function are either unavailable or do not agree on the potential impact of this missense change (SIFT: "Tolerated"; PolyPhen-2: "Not Available"; Align-GVGD: "Class C0"). This variant has not been reported in the literature in individuals affected with INF2-related conditions. This variant is not present in population databases (gnomAD no frequency). This sequence change replaces leucine, which is neutral and non-polar, with isoleucine, which is neutral and non-polar, at codon 1049 of the INF2 protein (p.Leu1049Ile).

NM_022489.4(INF2):c.3145C>A (p.Leu1049Ile)

Gene: INF2 (inverted formin 2; plus strand). Cytogenetic location: 14q32.33.
Variant type: single nucleotide variant.
Coding change: c.3145C>A on transcript NM_022489.4 (MANE Select); coding-DNA position 3145, C replaced by A.
Protein change: p.Leu1049Ile; replaces leucine 1049 with isoleucine.
Molecular consequence: missense variant.
Genome position (GRCh38, 1-based): chr14:104,714,307, C>A. VCF-style: chr14-104714307-C-A. GRCh37 (hg19) VCF-style: chr14-105180644-C-A.
Other names: c.3145C>A, p.Leu1049Ile (NM_001031714.4); short protein forms L1049I.
Identifiers: ClinVar variation 2100748 (VCV002100748.4), dbSNP rs1357553741, ClinGen allele CA391223627.